The following is an entry in ClinVar:

ClinVar aggregate classification (germline): Uncertain significance (1 of 4 stars; one submission).

Conditions:
Inborn genetic diseases. Identifiers: MedGen C0950123, MeSH D030342.

Submission:

Ambry Genetics
Classification: Uncertain significance for Inborn genetic diseases. Last evaluated: 2026-05-14. Review status: criteria provided, single submitter. Criteria: Ambry Variant Classification Scheme 2023. Collection method: clinical testing. Allele origin: germline.
Comment: The p.S233G variant (also known as c.697A>G), located in coding exon 5 of the MECOM gene, results from an A to G substitution at nucleotide position 697. The serine at codon 233 is replaced by glycine, an amino acid with similar properties. This amino acid position is conserved. In addition, this alteration is predicted to be tolerated by in silico analysis. Based on the available evidence, the clinical significance of this variant remains unclear.

NM_004991.4(MECOM):c.697A>G (p.Ser233Gly)

Gene: MECOM (MDS1 and EVI1 complex locus; minus strand). Cytogenetic location: 3q26.2.
Variant type: single nucleotide variant.
Coding change: c.697A>G on transcript NM_004991.4 (MANE Select); coding-DNA position 697, A replaced by G.
Protein change: p.Ser233Gly; replaces serine 233 with glycine.
Molecular consequence: missense variant.
Genome position (GRCh38, 1-based): chr3:169,127,977, T>C on the plus strand (A>G on the coding strand, the complement: MECOM is on the minus strand). VCF-style: chr3-169127977-T-C. GRCh37 (hg19) VCF-style: chr3-168845765-T-C.
Other names: c.325A>G, p.Ser109Gly (NM_001105077.4); c.133A>G, p.Ser45Gly (NM_001105078.4, NM_001163999.2, NM_001366474.2 and 9 more transcripts); c.697A>G, p.Ser233Gly (NM_001366466.2, NM_001366473.2); short protein forms S109G, S233G, S45G.
Identifiers: ClinVar variation 4859772 (VCV004859772.1).
Genomic context (GRCh38, chr3:169,127,977, plus strand): 5'-CGCTTTCGAGTTTTTGCTGAAAGTCCTCTTCAACCATTGAAAATGCTGAGTGAGGAGTAC[T>C]GCATGGAAACTTTTGGTGATCTGCTAGTTCAGCCTTAGATTCAAAGAGCTGGTCACAGTC-3'
Protein context (NP_004982.2, residues 223-243): ELADHQKFPC[Ser233Gly]TPHSAFSMVE